The following is an entry in ClinVar:

ClinVar aggregate classification (germline): Uncertain significance (1 of 4 stars; one submission).

Conditions:
Kostmann syndrome (SCN3). Also called: KOSTMANN DISEASE; Autosomal recessive severe congenital neutropenia type 3. Identifiers: Orphanet 99749, MedGen C5235141, MONDO:0012548, OMIM 610738.

Submission:

Labcorp Genetics (formerly Invitae), Labcorp
Classification: Uncertain significance for Kostmann syndrome. Last evaluated: 2021-10-22. Review status: criteria provided, single submitter. Criteria: Invitae Variant Classification Sherloc (09022015). Collection method: clinical testing. Allele origin: germline.
Comment: This sequence change replaces leucine with glutamine at codon 200 of the HAX1 protein (p.Leu200Gln). The leucine residue is highly conserved and there is a moderate physicochemical difference between leucine and glutamine. This variant is not present in population databases (ExAC no frequency). This variant has not been reported in the literature in individuals affected with HAX1-related conditions. Algorithms developed to predict the effect of missense changes on protein structure and function are either unavailable or do not agree on the potential impact of this missense change (SIFT: "Deleterious"; PolyPhen-2: "Probably Damaging"; Align-GVGD: "Class C0"). In summary, the available evidence is currently insufficient to determine the role of this variant in disease. Therefore, it has been classified as a Variant of Uncertain Significance.

NM_006118.4(HAX1):c.599T>A (p.Leu200Gln)

Gene: HAX1 (HCLS1 associated protein X-1; plus strand). Cytogenetic location: 1q21.3.
Variant type: single nucleotide variant.
Coding change: c.599T>A on transcript NM_006118.4 (MANE Select); coding-DNA position 599, T replaced by A.
Protein change: p.Leu200Gln; replaces leucine 200 with glutamine.
Molecular consequence: missense variant.
Genome position (GRCh38, 1-based): chr1:154,275,196, T>A. VCF-style: chr1-154275196-T-A. GRCh37 (hg19) VCF-style: chr1-154247672-T-A.
Other names: c.455T>A, p.Leu152Gln (NM_001018837.2); short protein forms L152Q, L200Q.
Identifiers: ClinVar variation 1524749 (VCV001524749.6), dbSNP rs2149140605, ClinGen allele CA342593674.
Genomic context (GRCh38, chr1:154,275,196, plus strand): 5'-ATCTCTCTGCTCTTCCAGATCTTGATTCCCAGGTTTCCCAGGAGGGTCTTGGCCCGGTTC[T>A]ACAGCCCCAGCCCAAATCCTATTTCAAGAGCATCTCTGTGACCAAGATCACTAAACCAGA-3'
Protein context (NP_006109.2, residues 190-210): QVSQEGLGPV[Leu200Gln]QPQPKSYFKS